The following is an entry in ClinVar:

NM_004329.3(BMPR1A):c.965A>G (p.Lys322Arg)

Gene: BMPR1A (bone morphogenetic protein receptor type 1A; plus strand). Cytogenetic location: 10q23.2.
Variant type: single nucleotide variant.
Coding change: c.965A>G on transcript NM_004329.3 (MANE Select); coding-DNA position 965, A replaced by G.
Protein change: p.Lys322Arg; replaces lysine 322 with arginine.
Molecular consequence: missense variant.
Genome position (GRCh38, 1-based): chr10:86,919,268, A>G. VCF-style: chr10-86919268-A-G. GRCh37 (hg19) VCF-style: chr10-88679025-A-G.
Other names: short protein forms K322R.
Identifiers: ClinVar variation 1475033 (VCV001475033.8), dbSNP rs2133590752, ClinGen allele CA377460293.
Genomic context (GRCh38, chr10:86,919,268, plus strand): 5'-GGACTCAGCTCTATTTGATTACTGATTACCATGAAAATGGATCTCTCTATGACTTCCTGA[A>G]ATGTGCTACACTGGACACCAGAGCCCTGCTTAAATTGGCTTATTCAGCTGCCTGTGGTCT-3'
Protein context (NP_004320.2, residues 312-332): HENGSLYDFL[Lys322Arg]CATLDTRALL

ClinVar aggregate classification (germline): Uncertain significance (1 of 4 stars; one submission).

Conditions:
Juvenile polyposis syndrome (JPS). Identifiers: Orphanet 2929, MedGen C0345893, MONDO:0017380, OMIM 174900.

Submission:

Labcorp Genetics (formerly Invitae), Labcorp
Classification: Uncertain significance for Juvenile polyposis syndrome. Last evaluated: 2025-10-11. Review status: criteria provided, single submitter. Criteria: Invitae Variant Classification Sherloc (09022015). Collection method: clinical testing. Allele origin: germline.
Comment: This sequence change replaces lysine, which is basic and polar, with arginine, which is basic and polar, at codon 322 of the BMPR1A protein (p.Lys322Arg). This variant is not present in population databases (gnomAD no frequency). This variant has not been reported in the literature in individuals affected with BMPR1A-related conditions. ClinVar contains an entry for this variant (Variation ID: 1475033). Invitae Evidence Modeling of protein sequence and biophysical properties (such as structural, functional, and spatial information, amino acid conservation, physicochemical variation, residue mobility, and thermodynamic stability) indicates that this missense variant is not expected to disrupt BMPR1A protein function with a negative predictive value of 80%. In summary, the available evidence is currently insufficient to determine the role of this variant in disease. Therefore, it has been classified as a Variant of Uncertain Significance.